The following is an entry in ClinVar:

ClinVar aggregate classification (germline): Uncertain significance (1 of 4 stars; one submission).

Conditions:
Dilated cardiomyopathy 1W (CMD1W). Identifiers: Orphanet 154, MedGen C1969639, MONDO:0012667, OMIM 611407.

Submission:

Labcorp Genetics (formerly Invitae), Labcorp
Classification: Uncertain significance for Dilated cardiomyopathy 1W. Last evaluated: 2025-08-20. Review status: criteria provided, single submitter. Criteria: Invitae Variant Classification Sherloc (09022015). Collection method: clinical testing. Allele origin: germline.
Comment: This sequence change replaces glycine, which is neutral and non-polar, with aspartic acid, which is acidic and polar, at codon 310 of the VCL protein (p.Gly310Asp). This variant is not present in population databases (gnomAD no frequency). This variant has not been reported in the literature in individuals affected with VCL-related conditions. An algorithm developed to predict the effect of missense changes on protein structure and function (PolyPhen-2) suggests that this variant is likely to be disruptive. In summary, the available evidence is currently insufficient to determine the role of this variant in disease. Therefore, it has been classified as a Variant of Uncertain Significance.

NM_014000.3(VCL):c.929G>A (p.Gly310Asp)

Gene: VCL (vinculin; plus strand). Cytogenetic location: 10q22.2.
Variant type: single nucleotide variant.
Coding change: c.929G>A on transcript NM_014000.3 (MANE Select); coding-DNA position 929, G replaced by A.
Protein change: p.Gly310Asp; replaces glycine 310 with aspartic acid.
Molecular consequence: missense variant.
Genome position (GRCh38, 1-based): chr10:74,083,420, G>A. VCF-style: chr10-74083420-G-A. GRCh37 (hg19) VCF-style: chr10-75843178-G-A.
Other names: c.929G>A, p.Gly310Asp (NM_003373.4); short protein forms G310D.
Identifiers: ClinVar variation 4725735 (VCV004725735.1).
Genomic context (GRCh38, chr10:74,083,420, plus strand): 5'-TTTTAGGGGATGCTGGTGAGCAGGCCATCAGACAGATCTTAGATGAAGCTGGAAAAGTTG[G>A]TGAACTCTGTGCAGGCAAAGAACGCAGGGAGATTCTGGGAACTTGCAAAATGCTAGGGCA-3'
Protein context (NP_054706.1, residues 300-320): RQILDEAGKV[Gly310Asp]ELCAGKERRE